The following is an entry in ClinVar:

ClinVar aggregate classification (germline): Uncertain significance. Review status: criteria provided, multiple submitters, no conflicts (2 of 4 stars). 2 submissions from 2 submitters: Uncertain significance (2). Last evaluated 2022-10-27.

Submissions (2):

Blueprint Genetics
Classification: Uncertain significance. Last evaluated: 2022-10-27. Review status: criteria provided, single submitter. Criteria: ACMG Guidelines, 2015. Collection method: clinical testing. Allele origin: germline.

Labcorp Genetics (formerly Invitae), Labcorp
Classification: Uncertain significance. Last evaluated: 2022-08-19. Review status: criteria provided, single submitter. Criteria: Invitae Variant Classification Sherloc (09022015). Collection method: clinical testing. Allele origin: germline.
Comment: This sequence change replaces glutamic acid, which is acidic and polar, with aspartic acid, which is acidic and polar, at codon 1495 of the ERCC6L2 protein (p.Glu1495Asp). This variant is present in population databases (rs144076442, gnomAD 0.003%). This variant has not been reported in the literature in individuals affected with ERCC6L2-related conditions. ClinVar contains an entry for this variant (Variation ID: 1379640). Algorithms developed to predict the effect of missense changes on protein structure and function are either unavailable or do not agree on the potential impact of this missense change (SIFT: "Deleterious"; PolyPhen-2: "Not Available"; Align-GVGD: "Class C0"). In summary, the available evidence is currently insufficient to determine the role of this variant in disease. Therefore, it has been classified as a Variant of Uncertain Significance.

NM_020207.7(ERCC6L2):c.4452G>C (p.Glu1484Asp)

Gene: ERCC6L2 (ERCC excision repair 6 like 2; plus strand). Cytogenetic location: 9q22.32.
Variant type: single nucleotide variant.
Coding change: c.4452G>C on transcript NM_020207.7 (MANE Select); coding-DNA position 4452, G replaced by C.
Protein change: p.Glu1484Asp; replaces glutamic acid 1484 with aspartic acid.
Molecular consequence: missense variant. On other transcripts: non-coding transcript variant (1), intron variant (2).
Genome position (GRCh38, 1-based): chr9:96,013,002, G>C. VCF-style: chr9-96013002-G-C. GRCh37 (hg19) VCF-style: chr9-98775284-G-C.
Other names: c.3674+8301G>C (NM_001375291.1, NM_001375292.1); short protein forms E1484D.
Identifiers: ClinVar variation 1379640 (VCV001379640.4), dbSNP rs144076442, ClinGen allele CA5140110.
Genomic context (GRCh38, chr9:96,013,002, plus strand): 5'-TTCAGGGCCCATGGAAAAAGCAAAACAGAGACCAAAAGATTTCTGGGACATCTTGAATGA[G>C]CAGAATGATGAGAGTCTTAGTAAACTCACAGACTTGGCAGTAATAGAGACTCTGTGTGAA-3'
Protein context (NP_064592.3, residues 1474-1494): RPKDFWDILN[Glu1484Asp]QNDESLSKLT